The following is an entry in ClinVar:

NM_001164508.2(NEB):c.17708C>T (p.Ala5903Val)

Gene: NEB (nebulin; minus strand). Cytogenetic location: 2q23.3.
Variant type: single nucleotide variant.
Coding change: c.17708C>T on transcript NM_001164508.2 (MANE Select); coding-DNA position 17708, C replaced by T.
Protein change: p.Ala5903Val; replaces alanine 5903 with valine.
Molecular consequence: missense variant.
Genome position (GRCh38, 1-based): chr2:151,568,344, G>A on the plus strand (C>T on the coding strand, the complement: NEB is on the minus strand). VCF-style: chr2-151568344-G-A. GRCh37 (hg19) VCF-style: chr2-152424858-G-A.
Other names: c.17708C>T, p.Ala5903Val (NM_001164507.2, NM_001271208.2); c.12605C>T, p.Ala4202Val (NM_004543.5); short protein forms A4202V, A5903V.
Identifiers: ClinVar variation 1059737 (VCV001059737.6), dbSNP rs2153745118, ClinGen allele CA348804907.
Genomic context (GRCh38, chr2:151,568,344, plus strand): 5'-ACAAACACCAGGCATGTGGGTGAAACCCATACCTGGTCCAGTATCCTAGCAGCCTCCTGG[G>A]CAGTGTGCAGCAGGGGGGTTTCTGTGAGGGTGTACTTTGATTTGGTGGCATTCCAGTCTT-3'
Protein context (NP_001157980.2, residues 5893-5913): TLTETPLLHT[Ala5903Val]QEAARILDQY

ClinVar aggregate classification (germline): Uncertain significance (1 of 4 stars; one submission).

Conditions:
Nemaline myopathy 2 (NEM2). Also called: Nemaline myopathy 2, autosomal recessive. Identifiers: MedGen C1850569, MONDO:0009725, OMIM 256030.

Submission:

Labcorp Genetics (formerly Invitae), Labcorp
Classification: Uncertain significance for Nemaline myopathy 2. Last evaluated: 2021-09-01. Review status: criteria provided, single submitter. Criteria: Invitae Variant Classification Sherloc (09022015). Collection method: clinical testing. Allele origin: germline.
Comment: This sequence change replaces alanine with valine at codon 5903 of the NEB protein (p.Ala5903Val). The alanine residue is moderately conserved and there is a small physicochemical difference between alanine and valine. This variant is not present in population databases (ExAC no frequency). This variant has not been reported in the literature in individuals affected with NEB-related conditions. Algorithms developed to predict the effect of missense changes on protein structure and function output the following: SIFT: "Deleterious"; PolyPhen-2: "Not Available"; Align-GVGD: "Class C0". The valine amino acid residue is found in multiple mammalian species, which suggests that this missense change does not adversely affect protein function. In summary, the available evidence is currently insufficient to determine the role of this variant in disease. Therefore, it has been classified as a Variant of Uncertain Significance.